The following is an entry in ClinVar:

ClinVar aggregate classification (germline): Uncertain significance (1 of 4 stars; one submission).

Conditions:
Emery-Dreifuss muscular dystrophy 4, autosomal dominant (EDMD4). Also called: EMERY-DREIFUSS MUSCULAR DYSTROPHY 4 WITH VARIABLE FEATURES. Identifiers: Orphanet 261, MedGen C2751807, MONDO:0013071, OMIM 612998.
Autosomal recessive ataxia, Beauce type. Also called: SYNE1-Related Autosomal Recessive Cerebellar Ataxia; Spinocerebellar ataxia, autosomal recessive 8; ATAXIA, RECESSIVE, OF BEAUCE; SYNE1 Deficiency. Identifiers: Orphanet 88644, MedGen C1853116, MONDO:0012549, OMIM 610743.

Allele frequency attached by ClinVar (database versions not stated): gnomAD 0.00001; gnomAD exomes 0.00001; TOPMed 0.00001; ExAC 0.00002.
gnomAD v4.1: 18 of 1,614,022 alleles (0.0011%); highest among the groups gnomAD compares: Non-Finnish European, 0.0014%; no homozygotes.

Submission:

Labcorp Genetics (formerly Invitae), Labcorp
Classification: Uncertain significance for Emery-Dreifuss muscular dystrophy 4, autosomal dominant; Autosomal recessive ataxia, Beauce type. Last evaluated: 2021-09-20. Review status: criteria provided, single submitter. Criteria: Invitae Variant Classification Sherloc (09022015). Collection method: clinical testing. Allele origin: germline.
Comment: This sequence change replaces tyrosine with histidine at codon 8246 of the SYNE1 protein (p.Tyr8246His). The tyrosine residue is highly conserved and there is a moderate physicochemical difference between tyrosine and histidine. This variant is present in population databases (rs777322468, ExAC 0.003%). This variant has not been reported in the literature in individuals affected with SYNE1-related conditions. Algorithms developed to predict the effect of missense changes on protein structure and function are either unavailable or do not agree on the potential impact of this missense change (SIFT: "Deleterious"; PolyPhen-2: "Possibly Damaging"; Align-GVGD: "Class C0"). In summary, the available evidence is currently insufficient to determine the role of this variant in disease. Therefore, it has been classified as a Variant of Uncertain Significance.

NM_182961.4(SYNE1):c.24949T>C (p.Tyr8317His)

Gene: SYNE1 (spectrin repeat containing nuclear envelope protein 1; minus strand). Cytogenetic location: 6q25.2.
Variant type: single nucleotide variant.
Coding change: c.24949T>C on transcript NM_182961.4 (MANE Select); coding-DNA position 24949, T replaced by C.
Protein change: p.Tyr8317His; replaces tyrosine 8317 with histidine.
Molecular consequence: missense variant.
Genome position (GRCh38, 1-based): chr6:152,148,072, A>G on the plus strand (T>C on the coding strand, the complement: SYNE1 is on the minus strand). VCF-style: chr6-152148072-A-G. GRCh37 (hg19) VCF-style: chr6-152469207-A-G.
Other names: c.1555T>C, p.Tyr519His (NM_001347701.2); c.1414T>C, p.Tyr472His (NM_001347702.2); c.24736T>C, p.Tyr8246His (NM_033071.5); short protein forms Y519H, Y472H, Y8246H, Y8317H.
Identifiers: ClinVar variation 1400622 (VCV001400622.3), dbSNP rs777322468, ClinGen allele CA4053043.
Genomic context (GRCh38, chr6:152,148,072, plus strand): 5'-TTAAGCTGGCAAACTGGAGAGGCTCTTTCCTACCTGATAAGCCAACAGCTCCCCGGAGGT[A>G]GAAATCTTTGTCATCCTGACCTTCTTCATCCTCAGAGGGCAGAGCTCTGGACATTGCAGA-3'
Protein context (NP_892006.3, residues 8307-8327): DEEGQDDKDF[Tyr8317His]LRGAVGLSGD